The following is an entry in ClinVar:

ClinVar aggregate classification (germline): Uncertain significance. Review status: criteria provided, single submitter (1 of 4 stars). 2 submissions from 2 submitters: Uncertain significance (1). 1 of the submissions does not count toward it. Last evaluated 2024-04-26.

Conditions:
Hereditary cancer-predisposing syndrome. Also called: Neoplastic Syndromes, Hereditary; Hereditary neoplastic syndrome; Tumor predisposition; Hereditary Cancer Syndrome. Identifiers: Orphanet 140162, MedGen C0027672, MeSH D009386, MONDO:0015356.
Fumarase deficiency (FMRD). Also called: Fumarate Hydratase Deficiency; Fumaric aciduria. Identifiers: Orphanet 24, MedGen C0342770, MONDO:0011730, OMIM 606812.

Submissions (2):

Ambry Genetics
Classification: Uncertain significance for Hereditary cancer-predisposing syndrome. Last evaluated: 2024-04-26. Review status: criteria provided, single submitter. Criteria: Ambry Variant Classification Scheme 2023. Collection method: clinical testing. Allele origin: germline.
Comment: The p.L22I variant (also known as c.64T>A), located in coding exon 1 of the FH gene, results from a T to A substitution at nucleotide position 64. The leucine at codon 22 is replaced by isoleucine, an amino acid with highly similar properties. This amino acid position is poorly conserved in available vertebrate species. In addition, this alteration is predicted to be tolerated by in silico analysis. Based on the available evidence, the clinical significance of this variant remains unclear.

Natera, Inc.
Classification: Uncertain significance for Fumarase Deficiency. Last evaluated: 2025-02-09. Review status: no assertion criteria provided. Collection method: clinical testing. Allele origin: germline. Not counted in ClinVar's aggregate classification.

NM_000143.4(FH):c.64T>A (p.Leu22Ile)

Gene: FH (fumarate hydratase; minus strand). Cytogenetic location: 1q43.
Variant type: single nucleotide variant.
Coding change: c.64T>A on transcript NM_000143.4 (MANE Select); coding-DNA position 64, T replaced by A.
Protein change: p.Leu22Ile; replaces leucine 22 with isoleucine.
Molecular consequence: missense variant.
Genome position (GRCh38, 1-based): chr1:241,519,659, A>T on the plus strand (T>A on the coding strand, the complement: FH is on the minus strand). VCF-style: chr1-241519659-A-T. GRCh37 (hg19) VCF-style: chr1-241682959-A-T.
Other names: short protein forms L22I.
Identifiers: ClinVar variation 3278712 (VCV003278712.2).